The following is an entry in ClinVar:

NM_004826.4(ECEL1):c.80del (p.Gly27fs)

Gene: ECEL1 (endothelin converting enzyme like 1; minus strand). Cytogenetic location: 2q37.1.
Variant type: Deletion.
Coding change: c.80del on transcript NM_004826.4 (MANE Select); coding-DNA position 80, one base deleted (G; older notation c.80delG).
Protein change: p.Gly27fs; shifts the reading frame from glycine 27.
Molecular consequence: frameshift variant.
Genome position (GRCh38, 1-based): chr2:232,486,574, C deleted on the plus strand (G on the coding strand, the reverse complement: ECEL1 is on the minus strand); the first of 6 consecutive C bases (chr2:232,486,574-232,486,579); deleting any one gives the same sequence. VCF-style (leftmost placement, unchanged base first): chr2-232486573-GC-G. GRCh37 (hg19) VCF-style: chr2-233351283-GC-G.
Other names: p.Gly27Alafs*176; c.80del, p.Gly27fs (NM_001290787.2); short protein forms G27fs.
Identifiers: ClinVar variation 1687243 (VCV001687243.1), dbSNP rs1370507095, ClinGen allele CA540309551.
Genomic context (GRCh38, chr2:232,486,573, plus strand): 5'-CCCGGTGGCGCTGCGCGCAGCGCCCAACGGGAAGCCCGGGGGCAGGGAGGCCCCGCGCGC[GC>G]CCCCCGCGCCGCAGCGGCTCACGTACTTGACCTCTTGGAACTCATCGTAGTGCGCCGTCA-3'

ClinVar aggregate classification (germline): Pathogenic/Likely pathogenic. Review status: criteria provided, multiple submitters, no conflicts (2 of 4 stars). 2 submissions from 2 submitters: Pathogenic (1); Likely pathogenic (1). Last evaluated 2025-08-25.

Conditions:
Distal arthrogryposis type 5D (DA5D). Identifiers: Orphanet 329457, MedGen C3554415, MONDO:0014028, OMIM 615065.

Submissions (2):

Department of Molecular Genetics, Istishari Arab Hospital
Classification: Likely pathogenic for Distal arthrogryposis type 5D. Last evaluated: 2025-08-25. Review status: criteria provided, single submitter. Criteria: ACMG Guidelines, 2015. Collection method: clinical testing. Allele origin: inherited. Inheritance: Autosomal recessive inheritance. Affected: yes.
Comment: The ECEL1 variant c.80del, p.Gly27Alafs*176 causes a shift in the reading frame at position 27, which results in termination of the protein 176 positions downstream. The frameshift variant is predicted to result in a loss or disruption of normal protein function through nonsense-mediated decay (NMD) or protein truncation. Multiple pathogenic variants are reported downstream of the variant. The variant is observed at an extremely low frequency in the gnomAD v4.1.0 dataset (total allele frequency: <0.001%). To the best of our knowledge, this variant was not previously reported in the literature. It is classified as likely pathogenic based on ACMG/AMP/ClinGen SVI guidelines.

3billion
Classification: Pathogenic for Distal arthrogryposis type 5D. Last evaluated: 2022-05-22. Review status: criteria provided, single submitter. Criteria: ACMG Guidelines, 2015. Collection method: clinical testing. Allele origin: germline. Affected: yes. Observed: 1 homozygote.
Comment: The variant is observed at an extremely low frequency in the gnomAD v2.1.1 dataset (total allele frequency: 0.004%). Frameshift: predicted to result in a loss or disruption of normal protein function through nonsense-mediated decay (NMD) or protein truncation. Multiple pathogenic variants are reported downstream of the variant. Therefore, this variant is classified as likely pathogenic according to the recommendation of ACMG/AMP guideline.